The following is an entry in ClinVar:

ClinVar aggregate classification (germline): Likely benign. Review status: criteria provided, multiple submitters, no conflicts (2 of 4 stars). 4 submissions from 4 submitters: Likely benign (3). 1 of the submissions does not count toward it. Last evaluated 2025-04-28.

Conditions:
FAT4-related disorder. Also called: FAT4-related condition.

Allele frequency attached by ClinVar (database versions not stated): gnomAD 0.00003 and 0.00004; TOPMed 0.00005; ExAC 0.00006; gnomAD exomes 0.00006.
gnomAD v4.1: 136 of 1,614,004 alleles (0.0084%); highest among the groups gnomAD compares: Middle Eastern, 0.066%; no homozygotes.

Submissions (4):

Labcorp Genetics (formerly Invitae), Labcorp
Classification: Likely benign. Last evaluated: 2025-04-28. Review status: criteria provided, single submitter. Criteria: Invitae Variant Classification Sherloc (09022015). Collection method: clinical testing. Allele origin: germline.

Blueprint Genetics
Classification: Likely benign. Last evaluated: 2024-08-15. Review status: criteria provided, single submitter. Criteria: ACMG Guidelines, 2015. Collection method: clinical testing. Allele origin: germline.

GeneDx
Classification: Likely benign. Last evaluated: 2018-06-13. Review status: criteria provided, single submitter. Criteria: GeneDx Variant Classification (06012015). Collection method: clinical testing. Allele origin: germline. Affected: yes.
Comment: This variant is considered likely benign or benign based on one or more of the following criteria: it is a conservative change, it occurs at a poorly conserved position in the protein, it is predicted to be benign by multiple in silico algorithms, and/or has population frequency not consistent with disease.

PreventionGenetics, part of Exact Sciences
Classification: Likely benign for FAT4-related condition. Last evaluated: 2020-03-16. Review status: no assertion criteria provided. Collection method: clinical testing. Allele origin: germline. Not counted in ClinVar's aggregate classification.
Comment: This variant is classified as likely benign based on ACMG/AMP sequence variant interpretation guidelines (Richards et al. 2015 PMID: 25741868, with internal and published modifications).

NM_001291303.3(FAT4):c.1299C>G (p.Ser433=)

Gene: FAT4 (FAT atypical cadherin 4; plus strand). Cytogenetic location: 4q28.1.
Variant type: single nucleotide variant.
Coding change: c.1299C>G on transcript NM_001291303.3 (MANE Select); coding-DNA position 1299, C replaced by G.
Protein change: p.Ser433=; no amino-acid change (serine 433 retained).
Molecular consequence: synonymous variant.
Genome position (GRCh38, 1-based): chr4:125,317,710, C>G. VCF-style: chr4-125317710-C-G. GRCh37 (hg19) VCF-style: chr4-126238865-C-G.
Other names: c.1299C>G, p.Ser433= (NM_001291285.3, NM_024582.6).
Identifiers: ClinVar variation 669336 (VCV000669336.11), dbSNP rs764678411, ClinGen allele CA3071960.